The following is an entry in ClinVar:

NC_000011.9:g.(?_71903218)_(72019668_?)del

Genes: FOLR1 (folate receptor alpha; plus strand), FOLR2 (folate receptor beta; plus strand), INPPL1 (inositol polyphosphate phosphatase like 1; plus strand), CLPB (ClpB family mitochondrial disaggregase; minus strand), PHOX2A (paired like homeobox 2A; minus strand). Cytogenetic location: 11q13.4.
Variant type: Deletion.
Identifiers: ClinVar variation 2426313 (VCV002426313.5).

ClinVar aggregate classification (germline): Pathogenic (1 of 4 stars; one submission).

Conditions:
Cerebral folate transport deficiency. Also called: FOLATE RECEPTOR DEFICIENCY; NEURODEGENERATION DUE TO CEREBRAL FOLATE TRANSPORT DEFICIENCY; Neurodegenerative syndrome due to cerebral folate transport deficiency; FOLR1-Related Cerebral Folate Transport Deficiency; Cerebral folate deficiency syndrome. Identifiers: Orphanet 217382, MedGen C2751584, MONDO:0013110, OMIM 613068. Disease mechanism: loss of function.

Submission:

Labcorp Genetics (formerly Invitae), Labcorp
Classification: Pathogenic for Cerebral folate transport deficiency. Last evaluated: 2022-08-10. Review status: criteria provided, single submitter. Criteria: Invitae Variant Classification Sherloc (09022015). Collection method: clinical testing. Allele origin: germline.
Comment: For these reasons, this variant has been classified as Pathogenic. This variant has not been reported in the literature in individuals affected with FOLR1-related conditions. A gross deletion of the genomic region encompassing the full coding sequence of the FOLR1 gene has been identified. Loss-of-function variants in FOLR1 are known to be pathogenic (PMID: 19732866, 22586289). The boundaries of this event are unknown as they extend beyond the assayed region for this gene and therefore may encompass additional genes.

Literature cited by the submitters: PubMed 19732866; PubMed 22586289.